The following is an entry in ClinVar:

ClinVar aggregate classification (germline): Uncertain significance. Review status: criteria provided, multiple submitters, no conflicts (2 of 4 stars). 2 submissions from 2 submitters: Uncertain significance (2). Last evaluated 2025-10-14.

Allele frequency attached by ClinVar (database versions not stated): ESP Exome Variant Server 0.00008; gnomAD exomes 0.00019; gnomAD 0.00021; TOPMed 0.00022; ExAC 0.00033.
gnomAD v4.1: 315 of 1,612,704 alleles (0.02%); highest among the groups gnomAD compares: Non-Finnish European, 0.022%; no homozygotes.

Submissions (2):

Labcorp Genetics (formerly Invitae), Labcorp
Classification: Uncertain significance. Last evaluated: 2025-10-14. Review status: criteria provided, single submitter. Criteria: Invitae Variant Classification Sherloc (09022015). Collection method: clinical testing. Allele origin: germline.
Comment: This sequence change replaces arginine, which is basic and polar, with tryptophan, which is neutral and slightly polar, at codon 1606 of the ZDBF2 protein (p.Arg1606Trp). This variant is present in population databases (rs201565836, gnomAD 0.05%), and has an allele count higher than expected for a pathogenic variant. This variant has not been reported in the literature in individuals affected with ZDBF2-related conditions. ClinVar contains an entry for this variant (Variation ID: 2068814). An algorithm developed to predict the effect of missense changes on protein structure and function (PolyPhen-2) suggests that this variant is likely to be disruptive. In summary, the available evidence is currently insufficient to determine the role of this variant in disease. Therefore, it has been classified as a Variant of Uncertain Significance.

Ambry Genetics
Classification: Uncertain significance. Last evaluated: 2025-01-21. Review status: criteria provided, single submitter. Criteria: Ambry Variant Classification Scheme 2023. Collection method: clinical testing. Allele origin: germline.

NM_020923.3(ZDBF2):c.4816C>T (p.Arg1606Trp)

Gene: ZDBF2 (zinc finger DBF-type containing 2; plus strand). Cytogenetic location: 2q33.3.
Variant type: single nucleotide variant.
Coding change: c.4816C>T on transcript NM_020923.3 (MANE Select); coding-DNA position 4816, C replaced by T.
Protein change: p.Arg1606Trp; replaces arginine 1606 with tryptophan.
Molecular consequence: missense variant.
Genome position (GRCh38, 1-based): chr2:206,309,344, C>T. VCF-style: chr2-206309344-C-T. GRCh37 (hg19) VCF-style: chr2-207174068-C-T.
Other names: c.4810C>T, p.Arg1604Trp (NM_001285549.2); c.4816C>T, p.Arg1606Trp (NM_001369654.1); short protein forms R1604W, R1606W.
Identifiers: ClinVar variation 2068814 (VCV002068814.6), dbSNP rs201565836, ClinGen allele CA2072355.